The following is an entry in ClinVar:

ClinVar aggregate classification (germline): Likely benign. Review status: criteria provided, single submitter (1 of 4 stars). 2 submissions from 2 submitters: Likely benign (1). 1 of the submissions does not count toward it. Last evaluated 2022-02-11.

Conditions:
TNC-related disorder. Also called: TNC-related condition.

Submissions (2):

Blueprint Genetics
Classification: Likely benign. Last evaluated: 2022-02-11. Review status: criteria provided, single submitter. Criteria: ACMG Guidelines, 2015. Collection method: clinical testing. Allele origin: germline.

PreventionGenetics, part of Exact Sciences
Classification: Likely benign for TNC-related condition. Last evaluated: 2024-05-24. Review status: no assertion criteria provided. Collection method: clinical testing. Allele origin: germline. Not counted in ClinVar's aggregate classification.
Comment: This variant is classified as likely benign based on ACMG/AMP sequence variant interpretation guidelines (Richards et al. 2015 PMID: 25741868, with internal and published modifications).

NM_002160.4(TNC):c.883G>A (p.Val295Met)

Gene: TNC (tenascin C; minus strand). Cytogenetic location: 9q33.1.
Variant type: single nucleotide variant.
Coding change: c.883G>A on transcript NM_002160.4 (MANE Select); coding-DNA position 883, G replaced by A.
Protein change: p.Val295Met; replaces valine 295 with methionine.
Molecular consequence: missense variant.
Genome position (GRCh38, 1-based): chr9:115,086,848, C>T on the plus strand (G>A on the coding strand, the complement: TNC is on the minus strand). VCF-style: chr9-115086848-C-T. GRCh37 (hg19) VCF-style: chr9-117849127-C-T.
Other names: c.883G>A, p.Val295Met (NM_001410991.1); short protein forms V295M.
Identifiers: ClinVar variation 3351227 (VCV003351227.2).